The following is an entry in ClinVar:

NM_021076.4(NEFH):c.1471G>T (p.Glu491Ter)

Gene: NEFH (neurofilament heavy chain; plus strand). Cytogenetic location: 22q12.2.
Variant type: single nucleotide variant.
Coding change: c.1471G>T on transcript NM_021076.4 (MANE Select); coding-DNA position 1471, G replaced by T.
Protein change: p.Glu491Ter; replaces glutamic acid 491 with a stop codon.
Molecular consequence: nonsense.
Genome position (GRCh38, 1-based): chr22:29,489,111, G>T. VCF-style: chr22-29489111-G-T. GRCh37 (hg19) VCF-style: chr22-29885100-G-T.
Other names: short protein forms E491*.
Identifiers: ClinVar variation 2080871 (VCV002080871.4), dbSNP rs756683785, ClinGen allele CA10174217.

ClinVar aggregate classification (germline): Uncertain significance (1 of 4 stars; one submission).

Allele frequency attached by ClinVar (database versions not stated): ExAC 0.00001; gnomAD exomes 0.00001.
gnomAD v4.1: 9 of 1,613,358 alleles (0.00056%); highest among the groups gnomAD compares: South Asian, 0.0011%; no homozygotes.

Submission:

Labcorp Genetics (formerly Invitae), Labcorp
Classification: Uncertain significance. Last evaluated: 2022-08-21. Review status: criteria provided, single submitter. Criteria: Invitae Variant Classification Sherloc (09022015). Collection method: clinical testing. Allele origin: germline.
Comment: This sequence change creates a premature translational stop signal (p.Glu491*) in the NEFH gene. While this is not anticipated to result in nonsense mediated decay, it is expected to disrupt the last 530 amino acid(s) of the NEFH protein. This variant is present in population databases (rs756683785, gnomAD 0.003%). In summary, the available evidence is currently insufficient to determine the role of this variant in disease. Therefore, it has been classified as a Variant of Uncertain Significance. This variant has not been reported in the literature in individuals affected with NEFH-related conditions.